The following is an entry in ClinVar:

NM_030665.4(RAI1):c.3040C>T (p.Pro1014Ser)

Gene: RAI1 (retinoic acid induced 1; plus strand). Cytogenetic location: 17p11.2.
Variant type: single nucleotide variant.
Coding change: c.3040C>T on transcript NM_030665.4 (MANE Select); coding-DNA position 3040, C replaced by T.
Protein change: p.Pro1014Ser; replaces proline 1014 with serine.
Molecular consequence: missense variant.
Genome position (GRCh38, 1-based): chr17:17,795,988, C>T. VCF-style: chr17-17795988-C-T. GRCh37 (hg19) VCF-style: chr17-17699302-C-T.
Other names: short protein forms P1014S.
Identifiers: ClinVar variation 1406477 (VCV001406477.8), dbSNP rs867871109, ClinGen allele CA398552778.
Genomic context (GRCh38, chr17:17,795,988, plus strand): 5'-CGGGGCAAAAGCTTACGGAGCCGTCGGGTGCACCGGGGGCTGCCCGAGGCCGAGGACTCC[C>T]CATGCAGGGCACCAGTGCTGCCCAAAGACCTCTTGCTCCCTGAATCCTGCACAGGGCCCC-3'
Protein context (NP_109590.3, residues 1004-1024): HRGLPEAEDS[Pro1014Ser]CRAPVLPKDL

ClinVar aggregate classification (germline): Uncertain significance (1 of 4 stars; one submission).

Allele frequency attached by ClinVar (database versions not stated): gnomAD exomes below 0.00001.

Submission:

Labcorp Genetics (formerly Invitae), Labcorp
Classification: Uncertain significance. Last evaluated: 2022-02-04. Review status: criteria provided, single submitter. Criteria: Invitae Variant Classification Sherloc (09022015). Collection method: clinical testing. Allele origin: germline.
Comment: This sequence change replaces proline, which is neutral and non-polar, with serine, which is neutral and polar, at codon 1014 of the RAI1 protein (p.Pro1014Ser). This variant is not present in population databases (gnomAD no frequency). This variant has not been reported in the literature in individuals affected with RAI1-related conditions. Algorithms developed to predict the effect of missense changes on protein structure and function (SIFT, PolyPhen-2, Align-GVGD) all suggest that this variant is likely to be tolerated. In summary, the available evidence is currently insufficient to determine the role of this variant in disease. Therefore, it has been classified as a Variant of Uncertain Significance.